The following is an entry in ClinVar:

ClinVar aggregate classification (germline): Uncertain significance (1 of 4 stars; one submission).

Allele frequency attached by ClinVar (database versions not stated): gnomAD exomes below 0.00001; TOPMed below 0.00001.
gnomAD v4.1: 1 of 1,458,782 alleles (0.000069%); highest among the groups gnomAD compares: Non-Finnish European, 0.000094%; no homozygotes.

Submission:

Labcorp Genetics (formerly Invitae), Labcorp
Classification: Uncertain significance. Last evaluated: 2022-10-26. Review status: criteria provided, single submitter. Criteria: Invitae Variant Classification Sherloc (09022015). Collection method: clinical testing. Allele origin: germline.
Comment: This sequence change falls in intron 12 of the KCNQ5 gene. It does not directly change the encoded amino acid sequence of the KCNQ5 protein. It affects a nucleotide within the consensus splice site. This variant is not present in population databases (gnomAD no frequency). This variant has not been reported in the literature in individuals affected with KCNQ5-related conditions. Variants that disrupt the consensus splice site are a relatively common cause of aberrant splicing (PMID: 17576681, 9536098). Algorithms developed to predict the effect of sequence changes on RNA splicing suggest that this variant is not likely to affect RNA splicing. In summary, the available evidence is currently insufficient to determine the role of this variant in disease. Therefore, it has been classified as a Variant of Uncertain Significance.

Literature cited by the submitters: PubMed 17576681; PubMed 9536098.

NM_019842.4(KCNQ5):c.1578-3C>T

Gene: KCNQ5 (potassium voltage-gated channel subfamily Q member 5; plus strand). Cytogenetic location: 6q13.
Variant type: single nucleotide variant.
Coding change: c.1578-3C>T on transcript NM_019842.4 (MANE Select); 3 bases into the intron before coding-DNA position 1578, C replaced by T.
Molecular consequence: intron variant.
Genome position (GRCh38, 1-based): chr6:73,190,570, C>T. VCF-style: chr6-73190570-C-T. GRCh37 (hg19) VCF-style: chr6-73900293-C-T.
Other names: c.1635-3C>T (NM_001160133.2); c.1248-3C>T (NM_001160134.2); c.1608-3C>T (NM_001160132.2); c.1551-3C>T (NM_001160130.2).
Identifiers: ClinVar variation 2034755 (VCV002034755.4), dbSNP rs1384902635, ClinGen allele CA827887946.